The following is an entry in ClinVar:

NM_139137.4(KCNC2):c.1428T>A (p.Phe476Leu)

Gene: KCNC2 (potassium voltage-gated channel subfamily C member 2; minus strand). Cytogenetic location: 12q21.1.
Variant type: single nucleotide variant.
Coding change: c.1428T>A on transcript NM_139137.4 (MANE Select); coding-DNA position 1428, T replaced by A.
Protein change: p.Phe476Leu; replaces phenylalanine 476 with leucine.
Molecular consequence: missense variant. On other transcripts: non-coding transcript variant (1).
Genome position (GRCh38, 1-based): chr12:75,050,577, A>T on the plus strand (T>A on the coding strand, the complement: KCNC2 is on the minus strand). VCF-style: chr12-75050577-A-T. GRCh37 (hg19) VCF-style: chr12-75444357-A-T.
Other names: c.1428T>A, p.Phe476Leu (NM_001260497.2, NM_001260498.2, NM_001260499.2 and 13 more transcripts); short protein forms F476L.
Identifiers: ClinVar variation 5005159 (VCV005005159.2).

ClinVar aggregate classification (germline): Uncertain significance (1 of 4 stars; one submission).

Conditions:
Developmental and epileptic encephalopathy 103 (DEE103). Identifiers: MedGen C5677002, MONDO:0030957, OMIM 619913.

Submission:

Juno Genomics, Hangzhou Juno Genomics, Inc
Classification: Uncertain significance for Developmental and epileptic encephalopathy 103. Review status: criteria provided, single submitter. Criteria: ACMG Guidelines, 2015. Collection method: clinical testing. Allele origin: germline.
Comment: Absent from controls (or at extremely low frequency if recessive) in Genome Aggregation Database.;Missense variant in a gene that has a low rate of benign missense variation.;Multiple lines of computational evidence support a deleterious effect on the gene or gene product.